The following is an entry in ClinVar:

NM_000884.3(IMPDH2):c.1049T>C (p.Val350Ala)

Gene: IMPDH2 (inosine monophosphate dehydrogenase 2; minus strand). Cytogenetic location: 3p21.31.
Variant type: single nucleotide variant.
Coding change: c.1049T>C on transcript NM_000884.3 (MANE Select); coding-DNA position 1049, T replaced by C.
Protein change: p.Val350Ala; replaces valine 350 with alanine.
Molecular consequence: missense variant.
Genome position (GRCh38, 1-based): chr3:49,025,227, A>G on the plus strand (T>C on the coding strand, the complement: IMPDH2 is on the minus strand). VCF-style: chr3-49025227-A-G. GRCh37 (hg19) VCF-style: chr3-49062660-A-G.
Other names: c.1121T>C, p.Val374Ala (NM_001410759.1); c.1046T>C, p.Val349Ala (NM_001410760.1); c.974T>C, p.Val325Ala (NM_001410761.1); short protein forms V325A, V349A, V350A, V374A.
Identifiers: ClinVar variation 5017954 (VCV005017954.1).

ClinVar aggregate classification (germline): Uncertain significance (1 of 4 stars; one submission).

gnomAD v4.1: 1 of 1,614,190 alleles (0.000062%); highest among the groups gnomAD compares: Non-Finnish European, 0.000085%; no homozygotes.

Submission:

GeneDx
Classification: Uncertain significance. Last evaluated: 2026-03-30. Review status: criteria provided, single submitter. Criteria: GeneDx Variant Classification Process June 2021. Collection method: clinical testing. Allele origin: germline.
Comment: Not observed at significant frequency in large population cohorts (gnomAD); In silico analysis supports that this missense variant has a deleterious effect on protein structure/function; Has not been previously published as pathogenic or benign to our knowledge